The following is an entry in ClinVar:

NM_000530.8(MPZ):c.215G>C (p.Gly72Ala)

Gene: MPZ (myelin protein zero; minus strand). Cytogenetic location: 1q23.3.
Variant type: single nucleotide variant.
Coding change: c.215G>C on transcript NM_000530.8 (MANE Select); coding-DNA position 215, G replaced by C.
Protein change: p.Gly72Ala; replaces glycine 72 with alanine.
Molecular consequence: missense variant.
Genome position (GRCh38, 1-based): chr1:161,307,277, C>G on the plus strand (G>C on the coding strand, the complement: MPZ is on the minus strand). VCF-style: chr1-161307277-C-G. GRCh37 (hg19) VCF-style: chr1-161277067-C-G.
Other names: c.215G>C (NM_000530.7); c.215G>C, p.Gly72Ala (NM_001315491.2); short protein forms G72A.
Identifiers: ClinVar variation 2914677 (VCV002914677.4), dbSNP rs773724920, ClinGen allele CA343350361.

ClinVar aggregate classification (germline): Uncertain significance. Review status: criteria provided, multiple submitters, no conflicts (2 of 4 stars). 2 submissions from 2 submitters: Uncertain significance (2). Last evaluated 2025-02-06.

Conditions:
Charcot-Marie-Tooth disease, type I (CMT1). Also called: Charcot-Marie-Tooth, Type 1; Charcot-Marie-Tooth disease type 1. Identifiers: Orphanet 65753, MedGen C0751036, MONDO:0019011.
MPZ-related disorder. Also called: MPZ-related condition; MPZ-related disorders.

gnomAD v4.1: 3 of 1,614,256 alleles (0.00019%); highest among the groups gnomAD compares: Non-Finnish European, 0.00017%; no homozygotes.

Submissions (2):

PreventionGenetics, part of Exact Sciences
Classification: Uncertain significance for MPZ-related condition. Last evaluated: 2025-02-06. Review status: criteria provided, single submitter. Criteria: ACMG Guidelines, 2015. Collection method: clinical testing. Allele origin: germline.
Comment: The MPZ c.215G>C variant is predicted to result in the amino acid substitution p.Gly72Ala. To our knowledge, this variant has not been reported in the literature. This variant is reported in 0.00088% of alleles in individuals of European (non-Finnish) descent in gnomAD. At this time, the clinical significance of this variant is uncertain due to the absence of conclusive functional and genetic evidence.

Labcorp Genetics (formerly Invitae), Labcorp
Classification: Uncertain significance for Charcot-Marie-Tooth disease, type I. Last evaluated: 2022-12-20. Review status: criteria provided, single submitter. Criteria: Invitae Variant Classification Sherloc (09022015). Collection method: clinical testing. Allele origin: germline.
Comment: In summary, the available evidence is currently insufficient to determine the role of this variant in disease. Therefore, it has been classified as a Variant of Uncertain Significance. Advanced modeling of protein sequence and biophysical properties (such as structural, functional, and spatial information, amino acid conservation, physicochemical variation, residue mobility, and thermodynamic stability) performed at Invitae indicates that this missense variant is not expected to disrupt MPZ protein function. This variant has not been reported in the literature in individuals affected with MPZ-related conditions. This variant is present in population databases (no rsID available, gnomAD 0.0009%). This sequence change replaces glycine, which is neutral and non-polar, with alanine, which is neutral and non-polar, at codon 72 of the MPZ protein (p.Gly72Ala).